The following is an entry in ClinVar:

NM_017918.5(MCUB):c.114G>C (p.Lys38Asn)

Gene: MCUB (mitochondrial calcium uniporter dominant negative subunit beta; plus strand). Cytogenetic location: 4q25.
Variant type: single nucleotide variant.
Coding change: c.114G>C on transcript NM_017918.5 (MANE Select); coding-DNA position 114, G replaced by C.
Protein change: p.Lys38Asn; replaces lysine 38 with asparagine.
Molecular consequence: missense variant.
Genome position (GRCh38, 1-based): chr4:109,659,025, G>C. VCF-style: chr4-109659025-G-C. GRCh37 (hg19) VCF-style: chr4-110580181-G-C.
Other names: short protein forms K38N.
Identifiers: ClinVar variation 931796 (VCV000931796.3), dbSNP rs1729166878, ClinGen allele CA357982038.

ClinVar aggregate classification (germline): Uncertain significance (1 of 4 stars; one submission).

Submission:

Centre for Mendelian Genomics, University Medical Centre Ljubljana
Classification: Uncertain significance. Last evaluated: 2019-10-02. Review status: criteria provided, single submitter. Criteria: ACMG Guidelines, 2015. Collection method: clinical testing. Allele origin: unknown. Affected: yes.
Comment: This variant was classified as: Uncertain significance. The available evidence on this variant's pathogenicity is insufficient or conflicting. The following ACMG criteria were applied in classifying this variant: PS2,PM2.